The following is an entry in ClinVar:

ClinVar aggregate classification (germline): Uncertain significance (1 of 4 stars; one submission).

Submission:

Labcorp Genetics (formerly Invitae), Labcorp
Classification: Uncertain significance. Last evaluated: 2025-11-22. Review status: criteria provided, single submitter. Criteria: Invitae Variant Classification Sherloc (09022015). Collection method: clinical testing. Allele origin: germline.
Comment: This sequence change replaces tyrosine, which is neutral and polar, with cysteine, which is neutral and slightly polar, at codon 256 of the TRPV6 protein (p.Tyr256Cys). This variant is not present in population databases (gnomAD no frequency). This variant has not been reported in the literature in individuals affected with TRPV6-related conditions. Experimental studies and prediction algorithms are not available or were not evaluated, and the functional significance of this variant is currently unknown. In summary, the available evidence is currently insufficient to determine the role of this variant in disease. Therefore, it has been classified as a Variant of Uncertain Significance.

NM_018646.6(TRPV6):c.767A>G (p.Tyr256Cys)

Gene: TRPV6 (transient receptor potential cation channel subfamily V member 6; minus strand). Cytogenetic location: 7q34.
Variant type: single nucleotide variant.
Coding change: c.767A>G on transcript NM_018646.6 (MANE Select); coding-DNA position 767, A replaced by G.
Protein change: p.Tyr256Cys; replaces tyrosine 256 with cysteine.
Molecular consequence: missense variant.
Genome position (GRCh38, 1-based): chr7:142,876,523, T>C on the plus strand (A>G on the coding strand, the complement: TRPV6 is on the minus strand). VCF-style: chr7-142876523-T-C. GRCh37 (hg19) VCF-style: chr7-142574276-T-C.
Other names: short protein forms Y256C.
Identifiers: ClinVar variation 4766097 (VCV004766097.1).